The following is an entry in ClinVar:

ClinVar aggregate classification (germline): Uncertain significance. Review status: criteria provided, multiple submitters, no conflicts (2 of 4 stars). 3 submissions from 3 submitters: Uncertain significance (3). Last evaluated 2025-02-25.

Allele frequency attached by ClinVar (database versions not stated): gnomAD exomes below 0.00001.
gnomAD v4.1: 4 of 1,612,600 alleles (0.00025%); highest among the groups gnomAD compares: Admixed American, 0.0017%; no homozygotes.

Submissions (3):

Ambry Genetics
Classification: Uncertain significance. Last evaluated: 2025-02-25. Review status: criteria provided, single submitter. Criteria: Ambry Variant Classification Scheme 2023. Collection method: clinical testing. Allele origin: germline.
Comment: The p.I516T variant (also known as c.1547T>C), located in coding exon 12 of the RECQL gene, results from a T to C substitution at nucleotide position 1547. The isoleucine at codon 516 is replaced by threonine, an amino acid with similar properties. This amino acid position is not well conserved in available vertebrate species. In addition, this alteration is predicted to be tolerated by in silico analysis. Since supporting evidence is limited at this time, the clinical significance of this alteration remains unclear.

GeneDx
Classification: Uncertain significance. Last evaluated: 2024-08-11. Review status: criteria provided, single submitter. Criteria: GeneDx Variant Classification Process June 2021. Collection method: clinical testing. Allele origin: germline. Affected: yes.
Comment: Has not been previously published as pathogenic or benign to our knowledge; In silico analysis supports that this missense variant has a deleterious effect on protein structure/function; Not observed at significant frequency in large population cohorts (gnomAD); Variants in candidate genes are classified as variants of uncertain significance in accordance with ACMG guidelines (PMID: 25741868); This variant is associated with the following publications: (PMID: 23396353, 27248010, 19151156)

Labcorp Genetics (formerly Invitae), Labcorp
Classification: Uncertain significance. Last evaluated: 2024-02-17. Review status: criteria provided, single submitter. Criteria: Invitae Variant Classification Sherloc (09022015). Collection method: clinical testing. Allele origin: germline.
Comment: This sequence change replaces isoleucine, which is neutral and non-polar, with threonine, which is neutral and polar, at codon 516 of the RECQL protein (p.Ile516Thr). This variant is present in population databases (no rsID available, gnomAD 0.003%). This variant has not been reported in the literature in individuals affected with RECQL-related conditions. ClinVar contains an entry for this variant (Variation ID: 1005894). Advanced modeling of protein sequence and biophysical properties (such as structural, functional, and spatial information, amino acid conservation, physicochemical variation, residue mobility, and thermodynamic stability) performed at Invitae indicates that this missense variant is not expected to disrupt RECQL protein function with a negative predictive value of 80%. In summary, the available evidence is currently insufficient to determine the role of this variant in disease. Therefore, it has been classified as a Variant of Uncertain Significance.

NM_002907.4(RECQL):c.1547T>C (p.Ile516Thr)

Gene: RECQL (RecQ like helicase; minus strand). Cytogenetic location: 12p12.1.
Variant type: single nucleotide variant.
Coding change: c.1547T>C on transcript NM_002907.4 (MANE Select); coding-DNA position 1547, T replaced by C.
Protein change: p.Ile516Thr; replaces isoleucine 516 with threonine.
Molecular consequence: missense variant.
Genome position (GRCh38, 1-based): chr12:21,471,548, A>G on the plus strand (T>C on the coding strand, the complement: RECQL is on the minus strand). VCF-style: chr12-21471548-A-G. GRCh37 (hg19) VCF-style: chr12-21624482-A-G.
Other names: c.1547T>C, p.Ile516Thr (NM_032941.3); short protein forms I516T.
Identifiers: ClinVar variation 1005894 (VCV001005894.14), dbSNP rs1259464694, ClinGen allele CA384116179.